The following is an entry in ClinVar:

NM_152672.6(SLC51A):c.591G>A (p.Val197=)

Gene: SLC51A (solute carrier family 51 member A; plus strand). Cytogenetic location: 3q29.
Variant type: single nucleotide variant.
Coding change: c.591G>A on transcript NM_152672.6 (MANE Select); coding-DNA position 591, G replaced by A.
Protein change: p.Val197=; no amino-acid change (valine 197 retained).
Molecular consequence: synonymous variant.
Genome position (GRCh38, 1-based): chr3:196,228,878, G>A. VCF-style: chr3-196228878-G-A. GRCh37 (hg19) VCF-style: chr3-195955749-G-A.
Identifiers: ClinVar variation 4987352 (VCV004987352.1).

ClinVar aggregate classification (germline): Uncertain significance (1 of 4 stars; one submission).

Conditions:
SLC51A-related disorder. Also called: SLC51A-related condition.

gnomAD v4.1: 7 of 1,614,044 alleles (0.00043%); highest among the groups gnomAD compares: Middle Eastern, 0.016%; no homozygotes.

Submission:

PreventionGenetics, part of Exact Sciences
Classification: Uncertain significance for SLC51A-related condition. Last evaluated: 2024-12-19. Review status: criteria provided, single submitter. Criteria: ACMG Guidelines, 2015. Collection method: clinical testing. Allele origin: germline.
Comment: The SLC51A c.591G>A variant is not predicted to result in an amino acid change (p.=). To our knowledge, this variant has not been reported in the literature. This variant is reported in 0.0018% of alleles in individuals of European (Non-Finnish) descent in gnomAD. At this time, the clinical significance of this variant is uncertain due to the absence of conclusive functional and genetic evidence.